The following is an entry in ClinVar:

ClinVar aggregate classification (germline): Uncertain significance (1 of 4 stars; one submission).

Allele frequency attached by ClinVar (database versions not stated): ExAC 0.00002; gnomAD 0.00003; TOPMed 0.00003.
gnomAD v4.1: 33 of 1,614,072 alleles (0.002%); highest among the groups gnomAD compares: Non-Finnish European, 0.00034%; no homozygotes.

Submission:

Labcorp Genetics (formerly Invitae), Labcorp
Classification: Uncertain significance. Last evaluated: 2022-08-09. Review status: criteria provided, single submitter. Criteria: Invitae Variant Classification Sherloc (09022015). Collection method: clinical testing. Allele origin: germline.
Comment: This sequence change replaces threonine, which is neutral and polar, with arginine, which is basic and polar, at codon 1715 of the SON protein (p.Thr1715Arg). In summary, the available evidence is currently insufficient to determine the role of this variant in disease. Therefore, it has been classified as a Variant of Uncertain Significance. Algorithms developed to predict the effect of missense changes on protein structure and function are either unavailable or do not agree on the potential impact of this missense change (SIFT: "Deleterious"; PolyPhen-2: "Possibly Damaging"; Align-GVGD: "Class C0"). This variant has not been reported in the literature in individuals affected with SON-related conditions. This variant is present in population databases (rs777093067, gnomAD 0.07%).

NM_138927.4(SON):c.5144C>G (p.Thr1715Arg)

Gene: SON (SON DNA and RNA binding protein; plus strand). Cytogenetic location: 21q22.11.
Variant type: single nucleotide variant.
Coding change: c.5144C>G on transcript NM_138927.4 (MANE Select); coding-DNA position 5144, C replaced by G.
Protein change: p.Thr1715Arg; replaces threonine 1715 with arginine.
Molecular consequence: missense variant. On other transcripts: non-coding transcript variant (1), intron variant (1).
Genome position (GRCh38, 1-based): chr21:33,554,375, C>G. VCF-style: chr21-33554375-C-G. GRCh37 (hg19) VCF-style: chr21-34926681-C-G.
Other names: c.5144C>G, p.Thr1715Arg (NM_001291411.2, NM_001412133.1, NM_032195.3 and 2 more transcripts); c.245-2781C>G (NM_001291412.3); short protein forms T1715R.
Identifiers: ClinVar variation 1907493 (VCV001907493.5), dbSNP rs777093067, ClinGen allele CA10009667.
Genomic context (GRCh38, chr21:33,554,375, plus strand): 5'-TGCTCAGCCCTAAAGAAAGTAGTGGAGGAGAAAAAGAAGTACCTCCCCCTCCTAAAGAGA[C>G]ACTGCCTGATTCAGGATTTTCTGCCAATATTGAGGATATTAATGAAGCAGATTTAGTGAG-3'
Protein context (NP_620305.3, residues 1705-1725): EKEVPPPPKE[Thr1715Arg]LPDSGFSANI